The following is an entry in ClinVar:

NM_000019.4(ACAT1):c.85G>T (p.Val29Leu)

Gene: ACAT1 (acetyl-CoA acetyltransferase 1; plus strand). Cytogenetic location: 11q22.3.
Variant type: single nucleotide variant.
Coding change: c.85G>T on transcript NM_000019.4 (MANE Select); coding-DNA position 85, G replaced by T.
Protein change: p.Val29Leu; replaces valine 29 with leucine.
Molecular consequence: missense variant.
Genome position (GRCh38, 1-based): chr11:108,131,919, G>T. VCF-style: chr11-108131919-G-T. GRCh37 (hg19) VCF-style: chr11-108002646-G-T.
Other names: c.85G>T, p.Val29Leu (LRG_1400t1); short protein forms V29L.
Identifiers: ClinVar variation 384097 (VCV000384097.4), dbSNP rs764142914, ClinGen allele CA6263005.
Genomic context (GRCh38, chr11:108,131,919, plus strand): 5'-TAGTTTAATATTTTTTACATTATAACATTATAAATATTTATATTACAGGAAATAAGATAT[G>T]TGGAACGGAGTTATGTATCAAAACCCACTTTGAAGGTAAGTAATTTAAATTGTGCTTTAA-3'
Protein context (NP_000010.1, residues 19-39): LRRLVQEIRY[Val29Leu]ERSYVSKPTL

ClinVar aggregate classification (germline): Uncertain significance. Review status: criteria provided, multiple submitters, no conflicts (2 of 4 stars). 3 submissions from 3 submitters: Uncertain significance (2). 1 of the submissions does not count toward it. Last evaluated 2025-07-31.

Conditions:
Inborn genetic diseases. Identifiers: MedGen C0950123, MeSH D030342.
Deficiency of acetyl-CoA acetyltransferase. Also called: 3-KETOTHIOLASE DEFICIENCY; 3-OXOTHIOLASE DEFICIENCY; Beta-ketothiolase deficiency; MITOCHONDRIAL ACETOACETYL-CoA THIOLASE DEFICIENCY. Identifiers: Orphanet 134, MedGen C1536500, MONDO:0008760, OMIM 203750. Disease mechanism: loss of function.

Allele frequency attached by ClinVar (database versions not stated): gnomAD exomes below 0.00001 and 0.00001; ExAC 0.00002; gnomAD 0.00005 and 0.00006; TOPMed 0.00008.
gnomAD v4.1: 15 of 1,448,782 alleles (0.001%); highest among the groups gnomAD compares: African/African-American, 0.018%; no homozygotes.

Submissions (3):

Ambry Genetics
Classification: Uncertain significance for Inborn genetic diseases. Last evaluated: 2025-07-31. Review status: criteria provided, single submitter. Criteria: Ambry Variant Classification Scheme 2023. Collection method: clinical testing. Allele origin: germline.

GeneDx
Classification: Uncertain significance. Last evaluated: 2016-02-18. Review status: criteria provided, single submitter. Criteria: GeneDx Variant Classification (06012015). Collection method: clinical testing. Allele origin: germline. Affected: yes.
Comment: The V29L variant in the ACAT1 gene has not been reported previously as a pathogenic variant, nor as a benign variant, to our knowledge. The V29L variant was not observed in approximately 6,400 individuals of European and African American ancestry in the NHLBI Exome Sequencing Project, indicating it is not a common benign variant in these populations. However, the V29L variant is a conservative amino acid substitution, which occurs at a position that is not conserved. In silico analysis predicts this variant likely does not alter the protein structure/function. We interpret V29L as a variant of uncertain significance.

Natera, Inc.
Classification: Uncertain significance for Alpha-methylacetoacetic aciduria. Last evaluated: 2019-10-28. Review status: no assertion criteria provided. Collection method: clinical testing. Allele origin: germline. Not counted in ClinVar's aggregate classification.